The following is an entry in ClinVar:

ClinVar aggregate classification (germline): Uncertain significance (1 of 4 stars; one submission).

Allele frequency attached by ClinVar (database versions not stated): gnomAD exomes 0.00001; TOPMed 0.00001; gnomAD 0.00002; ExAC 0.00004; 1000 Genomes Project 30x 0.00031; 1000 Genomes Project 0.00040.
gnomAD v4.1: 26 of 1,614,156 alleles (0.0016%); highest among the groups gnomAD compares: South Asian, 0.019%; no homozygotes.

Submission:

Labcorp Genetics (formerly Invitae), Labcorp
Classification: Uncertain significance. Last evaluated: 2023-12-07. Review status: criteria provided, single submitter. Criteria: Invitae Variant Classification Sherloc (09022015). Collection method: clinical testing. Allele origin: germline.
Comment: This sequence change replaces phenylalanine, which is neutral and non-polar, with valine, which is neutral and non-polar, at codon 459 of the DNAH9 protein (p.Phe459Val). This variant is present in population databases (rs570408216, gnomAD 0.03%). This variant has not been reported in the literature in individuals affected with DNAH9-related conditions. An algorithm developed to predict the effect of missense changes on protein structure and function (PolyPhen-2) suggests that this variant is likely to be disruptive. In summary, the available evidence is currently insufficient to determine the role of this variant in disease. Therefore, it has been classified as a Variant of Uncertain Significance.

NM_001372.4(DNAH9):c.1375T>G (p.Phe459Val)

Gene: DNAH9 (dynein axonemal heavy chain 9; plus strand). Cytogenetic location: 17p12.
Variant type: single nucleotide variant.
Coding change: c.1375T>G on transcript NM_001372.4 (MANE Select); coding-DNA position 1375, T replaced by G.
Protein change: p.Phe459Val; replaces phenylalanine 459 with valine.
Molecular consequence: missense variant.
Genome position (GRCh38, 1-based): chr17:11,629,441, T>G. VCF-style: chr17-11629441-T-G. GRCh37 (hg19) VCF-style: chr17-11532758-T-G.
Other names: short protein forms F459V.
Identifiers: ClinVar variation 2906482 (VCV002906482.3), dbSNP rs570408216, ClinGen allele CA8394833.